The following is an entry in ClinVar:

ClinVar aggregate classification (germline): Likely benign. Review status: criteria provided, single submitter (1 of 4 stars). 2 submissions from 2 submitters: Likely benign (1). 1 of the submissions does not count toward it. Last evaluated 2019-12-31.

Conditions:
OGDHL-related disorder. Also called: OGDHL-related condition.

Allele frequency attached by ClinVar (database versions not stated): ExAC 0.00084; gnomAD exomes 0.00084 and 0.00150; gnomAD 0.00093 and 0.00098; TOPMed 0.00093; ESP Exome Variant Server 0.00146.
gnomAD v4.1: 2,291 of 1,613,940 alleles (0.14%); highest among the groups gnomAD compares: Non-Finnish European, 0.19%; 2 homozygotes.

Submissions (2):

Labcorp Genetics (formerly Invitae), Labcorp
Classification: Likely benign. Last evaluated: 2019-12-31. Review status: criteria provided, single submitter. Criteria: Invitae Variant Classification Sherloc (09022015). Collection method: clinical testing. Allele origin: germline.

PreventionGenetics, part of Exact Sciences
Classification: Likely benign for OGDHL-related condition. Last evaluated: 2019-10-28. Review status: no assertion criteria provided. Collection method: clinical testing. Allele origin: germline. Not counted in ClinVar's aggregate classification.
Comment: This variant is classified as likely benign based on ACMG/AMP sequence variant interpretation guidelines (Richards et al. 2015 PMID: 25741868, with internal and published modifications).

NM_018245.3(OGDHL):c.2667C>T (p.Phe889=)

Gene: OGDHL (oxoglutarate dehydrogenase L; minus strand). Cytogenetic location: 10q11.23.
Variant type: single nucleotide variant.
Coding change: c.2667C>T on transcript NM_018245.3 (MANE Select); coding-DNA position 2667, C replaced by T.
Protein change: p.Phe889=; no amino-acid change (phenylalanine 889 retained).
Molecular consequence: synonymous variant. On other transcripts: non-coding transcript variant (5).
Genome position (GRCh38, 1-based): chr10:49,736,444, G>A on the plus strand (C>T on the coding strand, the complement: OGDHL is on the minus strand). VCF-style: chr10-49736444-G-A. GRCh37 (hg19) VCF-style: chr10-50944490-G-A.
Other names: c.2496C>T, p.Phe832= (NM_001143996.2, NM_001347820.1); c.2040C>T, p.Phe680= (NM_001143997.2, NM_001347821.2, NM_001347822.1); c.2667C>T, p.Phe889= (NM_001347819.1); c.2487C>T, p.Phe829= (NM_001347823.1, NM_001347824.2); c.1860C>T, p.Phe620= (NM_001347825.2); c.1470C>T, p.Phe490= (NM_001347826.1); c.2667C>T (NM_018245.2).
Identifiers: ClinVar variation 710350 (VCV000710350.6), dbSNP rs151304962, ClinGen allele CA5498065.